The following is an entry in ClinVar:

NM_000059.4(BRCA2):c.6698del (p.Ala2233fs)

Gene: BRCA2 (BRCA2 DNA repair associated; plus strand). Cytogenetic location: 13q13.1.
Variant type: Deletion.
Coding change: c.6698del on transcript NM_000059.4 (MANE Select); coding-DNA position 6698, one base deleted (C; older notation c.6698delC).
Protein change: p.Ala2233fs; shifts the reading frame from alanine 2233.
Molecular consequence: frameshift variant.
Genome position (GRCh38, 1-based): chr13:32,341,053, C deleted. VCF-style (leftmost placement, unchanged base first): chr13-32341052-GC-G. GRCh37 (hg19) VCF-style: chr13-32915189-GC-G.
Other names: 6926delC; short protein forms A2233fs.
Identifiers: ClinVar variation 266971 (VCV000266971.8), dbSNP rs886040673, ClinGen allele CA10589399.

ClinVar aggregate classification (germline): Pathogenic. Review status: reviewed by expert panel (3 of 4 stars). 3 submissions from 3 submitters: Pathogenic (1). 2 of the submissions do not count toward it. Last evaluated 2016-10-18.

Conditions:
Breast-ovarian cancer, familial, susceptibility to, 2 (BROVCA2). Also called: BRCA2 Hereditary Breast and Ovarian Cancer. Identifiers: Orphanet 145, MedGen C2675520, MONDO:0012933, OMIM 612555. Disease mechanism: loss of function.
Hereditary breast ovarian cancer syndrome. Also called: BRCA1- and BRCA2-Associated Hereditary Breast and Ovarian Cancer; Hereditary breast and ovarian cancer; Breast and ovarian cancer; Hereditary breast and/or ovarian cancer syndrome; Hereditary breast and ovarian cancer syndrome; Hereditary breast and ovarian cancer syndrome (HBOC). Identifiers: Orphanet 145, MedGen C0677776, MeSH D061325, MONDO:0003582. Disease mechanism: loss of function.

Submissions (3):

Evidence-based Network for the Interpretation of Germline Mutant Alleles (ENIGMA)
Classification: Pathogenic for Breast-ovarian cancer, familial, susceptibility to, 2. Last evaluated: 2016-10-18. Review status: reviewed by expert panel. Criteria: ENIGMA BRCA1/2 Classification Criteria (2015). Collection method: curation. Allele origin: germline.
Comment: Variant allele predicted to encode a truncated non-functional protein.

Labcorp Genetics (formerly Invitae), Labcorp
Classification: Pathogenic for Hereditary breast ovarian cancer syndrome. Last evaluated: 2023-02-14. Review status: criteria provided, single submitter. Criteria: Invitae Variant Classification Sherloc (09022015). Collection method: clinical testing. Allele origin: germline. Not counted in ClinVar's aggregate classification.
Comment: This sequence change creates a premature translational stop signal (p.Ala2233Valfs*8) in the BRCA2 gene. It is expected to result in an absent or disrupted protein product. Loss-of-function variants in BRCA2 are known to be pathogenic (PMID: 20104584). For these reasons, this variant has been classified as Pathogenic. ClinVar contains an entry for this variant (Variation ID: 266971). This variant has not been reported in the literature in individuals affected with BRCA2-related conditions. This variant is not present in population databases (gnomAD no frequency).

Consortium of Investigators of Modifiers of BRCA1/2 (CIMBA), c/o University of Cambridge
Classification: Pathogenic for Breast-ovarian cancer, familial, susceptibility to, 2. Last evaluated: 2015-10-02. Review status: criteria provided, single submitter. Criteria: CIMBA Mutation Classification guidelines May 2016. Collection method: clinical testing. Allele origin: germline. Not counted in ClinVar's aggregate classification.

Literature cited by the submitters: PubMed 20104584 (cited by Labcorp Genetics (formerly Invitae), Labcorp).